The following is an entry in ClinVar:

NM_006767.4(LZTR1):c.370del (p.Val124fs)

Gene: LZTR1 (leucine zipper like post translational regulator 1; plus strand). Cytogenetic location: 22q11.21.
Variant type: Deletion.
Coding change: c.370del on transcript NM_006767.4 (MANE Select); coding-DNA position 370, one base deleted (G; older notation c.370delG).
Protein change: p.Val124fs; shifts the reading frame from valine 124.
Molecular consequence: frameshift variant.
Genome position (GRCh38, 1-based): chr22:20,987,553, G deleted. VCF-style (leftmost placement, unchanged base first): chr22-20987552-CG-C. GRCh37 (hg19) VCF-style: chr22-21341841-CG-C.
Other names: short protein forms V124fs.
Identifiers: ClinVar variation 3656540 (VCV003656540.2).

ClinVar aggregate classification (germline): Pathogenic (1 of 4 stars; one submission).

Submission:

Labcorp Genetics (formerly Invitae), Labcorp
Classification: Pathogenic. Last evaluated: 2024-06-13. Review status: criteria provided, single submitter. Criteria: Invitae Variant Classification Sherloc (09022015). Collection method: clinical testing. Allele origin: germline.
Comment: This sequence change creates a premature translational stop signal (p.Val124Serfs*23) in the LZTR1 gene. It is expected to result in an absent or disrupted protein product. Loss-of-function variants in LZTR1 are known to be pathogenic (PMID: 24362817, 25335493, 25480913, 25795793, 29469822, 30368668, 30442762, 30442766, 30481304, 30859559). This variant is not present in population databases (gnomAD no frequency). This variant has not been reported in the literature in individuals affected with LZTR1-related conditions. For these reasons, this variant has been classified as Pathogenic.

Literature cited by the submitters: PubMed 24362817; PubMed 25335493; PubMed 25480913; PubMed 25795793; PubMed 29469822; PubMed 30368668; PubMed 30442762; PubMed 30442766; PubMed 30481304; PubMed 30859559.